The following is an entry in ClinVar:

NM_001710.6(CFB):c.797C>T (p.Ser266Leu)

Gene: CFB (complement factor B; plus strand). Cytogenetic location: 6p21.33.
Variant type: single nucleotide variant.
Coding change: c.797C>T on transcript NM_001710.6 (MANE Select); coding-DNA position 797, C replaced by T.
Protein change: p.Ser266Leu; replaces serine 266 with leucine.
Molecular consequence: missense variant.
Genome position (GRCh38, 1-based): chr6:31,947,981, C>T. VCF-style: chr6-31947981-C-T. GRCh37 (hg19) VCF-style: chr6-31915758-C-T.
Other names: short protein forms S266L.
Identifiers: ClinVar variation 4853079 (VCV004853079.1).
Genomic context (GRCh38, chr6:31,947,981, plus strand): 5'-CTGAGCCACTCTCCTGGCACCCAGGGGAACAACAGAAGCGGAAGATCGTCCTGGACCCTT[C>T]AGGCTCCATGAACATCTACCTGGTGCTAGATGGATCAGACAGCATTGGGGCCAGCAACTT-3'
Protein context (NP_001701.2, residues 256-276): QQKRKIVLDP[Ser266Leu]GSMNIYLVLD

ClinVar aggregate classification (germline): Uncertain significance (1 of 4 stars; one submission).

Submission:

Women's Health and Genetics/Laboratory Corporation of America, LabCorp
Classification: Uncertain significance. Last evaluated: 2026-05-14. Review status: criteria provided, single submitter. Criteria: LabCorp Variant Classification Summary - May 2015. Collection method: clinical testing. Allele origin: germline.
Comment: Variant summary: CFB c.797C>T (p.Ser266Leu) results in a non-conservative amino acid change in the encoded protein sequence. Algorithms developed to predict the effect of missense changes on protein structure and function are either unavailable or do not agree on the potential impact of this missense change. The variant was absent in 251458 control chromosomes. The available data on variant occurrences in the general population are insufficient to allow any conclusion about variant significance. To our knowledge, no occurrence of c.797C>T in individuals affected with CFB-related conditions and no experimental evidence demonstrating its impact on protein function have been reported. No submitters have cited clinical-significance assessments for this variant to ClinVar. Based on the evidence outlined above, the variant was classified as uncertain significance.